The following is an entry in ClinVar:

NM_018972.4(GDAP1):c.347T>C (p.Met116Thr)

Gene: GDAP1 (ganglioside induced differentiation associated protein 1; plus strand). Cytogenetic location: 8q21.11.
Variant type: single nucleotide variant.
Coding change: c.347T>C on transcript NM_018972.4 (MANE Select); coding-DNA position 347, T replaced by C.
Protein change: p.Met116Thr; replaces methionine 116 with threonine.
Molecular consequence: missense variant. On other transcripts: intron variant (1).
Genome position (GRCh38, 1-based): chr8:74,360,173, T>C. VCF-style: chr8-74360173-T-C. GRCh37 (hg19) VCF-style: chr8-75272408-T-C.
Other names: c.143T>C, p.Met48Thr (NM_001040875.4); c.20T>C, p.Met7Thr (NM_001362929.2, NM_001362932.2); c.347T>C, p.Met116Thr (NM_001362931.2); c.311-1711T>C (NM_001362930.2); short protein forms M116T, M7T, M48T.
Identifiers: ClinVar variation 242508 (VCV000242508.5), dbSNP rs281865060, ClinGen allele CA358501.

ClinVar aggregate classification (germline): Conflicting classifications of pathogenicity. Review status: criteria provided, conflicting classifications (1 of 4 stars). 4 submissions from 4 submitters: Pathogenic (1); Uncertain significance (1). 2 of the submissions do not count toward it. Last evaluated 2025-05-09.

Conditions:
Charcot-Marie-Tooth disease. Also called: Charcot-Marie-Tooth Neuropathy; Charcot-Marie-Tooth Hereditary Neuropathy. Identifiers: Orphanet 166, MedGen C0007959, MONDO:0015626.
Charcot-Marie-Tooth disease axonal type 2K (CMT2K). Also called: Charcot-Marie-Tooth disease type 2K; CHARCOT-MARIE-TOOTH DISEASE, AXONAL, AUTOSOMAL RECESSIVE, TYPE 2K; CHARCOT-MARIE-TOOTH NEUROPATHY, AXONAL, TYPE 2K. Identifiers: Orphanet 101097, Orphanet 99944, MedGen C1842983, MONDO:0011916, OMIM 607831.
Charcot-Marie-Tooth disease type 4A. Also called: Charcot-Marie-Tooth disease, demyelinating, autosomal recessive, type 4a. Identifiers: Orphanet 99948, MedGen C1859198, MONDO:0008961, OMIM 214400.
Charcot-Marie-Tooth disease recessive intermediate A (CMTRIA). Also called: CHARCOT-MARIE-TOOTH NEUROPATHY, RECESSIVE INTERMEDIATE A. Identifiers: Orphanet 217055, MedGen C1842197, MONDO:0012014, OMIM 608340.
Charcot-Marie-Tooth disease, axonal, with vocal cord paresis, autosomal recessive. Also called: CHARCOT-MARIE-TOOTH DISEASE, TYPE 4A, AXONAL FORM; CHARCOT-MARIE-TOOTH NEUROPATHY, AXONAL, WITH VOCAL CORD PARESIS, AUTOSOMAL RECESSIVE; CMT2 WITH VOCAL CORD PARESIS, AUTOSOMAL RECESSIVE. Identifiers: Orphanet 101097, MedGen C1843183, MONDO:0011898, OMIM 607706.

Submissions (4):

Women's Health and Genetics/Laboratory Corporation of America, LabCorp
Classification: Pathogenic for Charcot-Marie-Tooth disease type 4A. Last evaluated: 2025-05-09. Review status: criteria provided, single submitter. Criteria: LabCorp Variant Classification Summary - May 2015. Collection method: clinical testing. Allele origin: germline.
Comment: Variant summary: GDAP1 c.347T>C (p.Met116Thr) results in a non-conservative amino acid change in the encoded protein sequence. Algorithms developed to predict the effect of missense changes on protein structure and function all suggest that this variant is likely to be disruptive. The variant was absent in 251466 control chromosomes (gnomAD). c.347T>C has been observed in multiple individuals affected with Charcot-Marie-Tooth disease type 4A and this variant co-segregated with the disease (Kabziska_2005, Kabziska_2010). These data indicate that the variant is very likely to be associated with disease. To our knowledge, no experimental evidence demonstrating an impact on protein function has been reported. The following publications have been ascertained in the context of this evaluation (PMID: 16343542, 20232219). ClinVar contains an entry for this variant (Variation ID: 242508). Based on the evidence outlined above, the variant was classified as pathogenic.

Kariminejad - Najmabadi Pathology & Genetics Center
Classification: Uncertain significance for Charcot-Marie-Tooth disease axonal type 2K; Charcot-Marie-Tooth disease, axonal, with vocal cord paresis, autosomal recessive; Charcot-Marie-Tooth disease recessive intermediate A; Charcot-Marie-Tooth disease type 4A. Last evaluated: 2023-12-06. Review status: criteria provided, single submitter. Criteria: ACMG Guidelines, 2015. Collection method: clinical testing. Allele origin: germline. Inheritance: Autosomal recessive inheritance. Affected: yes.
Comment: PM1,PM2,PM5,PM3

Inherited Neuropathy Consortium Ii, University Of Miami
Classification: Uncertain significance for Charcot-Marie-Tooth disease type 4A. Last evaluated: 2016-01-06. Review status: no assertion criteria provided. Collection method: literature only. Allele origin: germline. Affected: yes. Not counted in ClinVar's aggregate classification.

Inherited Neuropathy Consortium
Classification: Uncertain significance for Charcot-Marie-Tooth disease. Review status: no assertion criteria provided. Collection method: literature only. Allele origin: germline. Affected: yes. Not counted in ClinVar's aggregate classification.

Literature cited by the submitters: PubMed 20232219 (cited by Women's Health and Genetics/Laboratory Corporation of America, LabCorp); PubMed 16343542 (cited by 3 submitters).